The following is an entry in ClinVar:

ClinVar aggregate classification (germline): Uncertain significance. Review status: criteria provided, multiple submitters, no conflicts (2 of 4 stars). 3 submissions from 3 submitters: Uncertain significance (3). Last evaluated 2026-03-30.

Conditions:
SDCCAG8-related disorder. Also called: SDCCAG8-related condition; SDCCAG8-Related Disorders.
Senior-Loken syndrome 7 (SLSN7). Identifiers: Orphanet 3156, MedGen C3150877, MONDO:0013326, OMIM 613615.
Bardet-Biedl syndrome 16 (BBS16). Identifiers: Orphanet 110, MedGen C3889474, MONDO:0014444, OMIM 615993.

Allele frequency attached by ClinVar (database versions not stated): gnomAD 0.00001; gnomAD exomes 0.00001 and 0.00005; ExAC 0.00003; TOPMed 0.00004.
gnomAD v4.1: 19 of 1,613,426 alleles (0.0012%); highest among the groups gnomAD compares: Admixed American, 0.023%; no homozygotes.

Submissions (3):

PreventionGenetics, part of Exact Sciences
Classification: Uncertain significance for SDCCAG8-related condition. Last evaluated: 2026-03-30. Review status: criteria provided, single submitter. Criteria: ACMG Guidelines, 2015. Collection method: clinical testing. Allele origin: germline.
Comment: The SDCCAG8 c.1730A>C variant is predicted to result in the amino acid substitution p.Gln577Pro. To our knowledge, this variant has not been reported in the literature. This variant is reported in 0.032% of alleles in individuals of Latino descent in gnomAD. At this time, the clinical significance of this variant is uncertain due to the absence of conclusive functional and genetic evidence.

Labcorp Genetics (formerly Invitae), Labcorp
Classification: Uncertain significance for Bardet-Biedl syndrome 16; Senior-Loken syndrome 7. Last evaluated: 2022-07-24. Review status: criteria provided, single submitter. Criteria: Invitae Variant Classification Sherloc (09022015). Collection method: clinical testing. Allele origin: germline.
Comment: This sequence change replaces glutamine, which is neutral and polar, with proline, which is neutral and non-polar, at codon 577 of the SDCCAG8 protein (p.Gln577Pro). This variant is present in population databases (rs771493123, gnomAD 0.03%). This variant has not been reported in the literature in individuals affected with SDCCAG8-related conditions. ClinVar contains an entry for this variant (Variation ID: 649190). Algorithms developed to predict the effect of missense changes on protein structure and function are either unavailable or do not agree on the potential impact of this missense change (SIFT: "Deleterious"; PolyPhen-2: "Probably Damaging"; Align-GVGD: "Class C0"). In summary, the available evidence is currently insufficient to determine the role of this variant in disease. Therefore, it has been classified as a Variant of Uncertain Significance.

Fulgent Genetics
Classification: Uncertain significance for Senior-Loken syndrome 7; Bardet-Biedl syndrome 16. Last evaluated: 2022-05-27. Review status: criteria provided, single submitter. Criteria: ACMG Guidelines, 2015. Collection method: clinical testing. Allele origin: unknown.

NM_006642.5(SDCCAG8):c.1730A>C (p.Gln577Pro)

Gene: SDCCAG8 (SHH signaling and ciliogenesis regulator SDCCAG8; plus strand). Cytogenetic location: 1q43.
Variant type: single nucleotide variant.
Coding change: c.1730A>C on transcript NM_006642.5 (MANE Select); coding-DNA position 1730, A replaced by C.
Protein change: p.Gln577Pro; replaces glutamine 577 with proline.
Molecular consequence: missense variant.
Genome position (GRCh38, 1-based): chr1:243,415,815, A>C. VCF-style: chr1-243415815-A-C. GRCh37 (hg19) VCF-style: chr1-243579117-A-C.
Other names: c.827A>C, p.Gln276Pro (NM_001350246.2, NM_001350247.2, NM_001350251.2); c.1826A>C, p.Gln609Pro (NM_001350248.2); c.1436A>C, p.Gln479Pro (NM_001350249.2); short protein forms Q276P, Q577P, Q609P, Q479P.
Identifiers: ClinVar variation 649190 (VCV000649190.10), dbSNP rs771493123, ClinGen allele CA1483715.
Genomic context (GRCh38, chr1:243,415,815, plus strand): 5'-CCCTTCAGGCCCAGCAAAGAGAGCAGGAGCTGACACAGAAGATACAGCAAATGGAGGCCC[A>C]GCATGACAAAACTGGTAGGTGGTAGGGAAAGATTAGAGCCTGGGCACTAGCTCACAAGTC-3'
Protein context (NP_006633.1, residues 567-587): LTQKIQQMEA[Gln577Pro]HDKTENEQYL